The following is an entry in ClinVar:

NM_022772.4(EPS8L2):c.*9G>A

Gene: EPS8L2 (EPS8 signaling adaptor L2; plus strand). Cytogenetic location: 11p15.5.
Variant type: single nucleotide variant.
Coding change: c.*9G>A on transcript NM_022772.4 (MANE Select); 9 bases downstream of the stop codon, G replaced by A.
Molecular consequence: 3 prime UTR variant.
Genome position (GRCh38, 1-based): chr11:726,990, G>A. VCF-style: chr11-726990-G-A. GRCh37 (hg19) VCF-style: chr11-726990-G-A.
Identifiers: ClinVar variation 3047559 (VCV003047559.2), dbSNP rs747723834, ClinGen allele CA5787940.
Genomic context (GRCh38, chr11:726,990, plus strand): 5'-ACTCATGAACAAGTTTCATTCCATGAATCAGAGGAGGGGGGAGGACAGCTAGGCCCAGCT[G>A]CCTTGGGCTGGGGCCTGCGGAGGGGAAGCCCACCCACAATGCATGGAGTATTATTTTTAT-3'

ClinVar aggregate classification (germline): Likely benign (0 of 4 stars; one submission).

Conditions:
EPS8L2-related disorder. Also called: EPS8L2-related condition.

Allele frequency attached by ClinVar (database versions not stated): gnomAD 0.00001; gnomAD exomes 0.00001; TOPMed 0.00005; ExAC 0.00007.
gnomAD v4.1: 22 of 1,604,620 alleles (0.0014%); highest among the groups gnomAD compares: East Asian, 0.045%; no homozygotes.

Submission:

PreventionGenetics, part of Exact Sciences
Classification: Likely benign for EPS8L2-related condition. Last evaluated: 2019-03-29. Review status: no assertion criteria provided. Collection method: clinical testing. Allele origin: germline.
Comment: This variant is classified as likely benign based on ACMG/AMP sequence variant interpretation guidelines (Richards et al. 2015 PMID: 25741868, with internal and published modifications).